The following is an entry in ClinVar:

ClinVar aggregate classification (germline): Benign/Likely benign. Review status: criteria provided, multiple submitters, no conflicts (2 of 4 stars). 13 submissions from 12 submitters: Benign (6); Likely benign (4). 3 of the submissions do not count toward it. Last evaluated 2026-09-01.

Conditions:
SYNE1-related disorder. Also called: SYNE1-related disease; SYNE1-related condition; SYNE1-related disorders.
Emery-Dreifuss muscular dystrophy 4, autosomal dominant (EDMD4). Also called: EMERY-DREIFUSS MUSCULAR DYSTROPHY 4 WITH VARIABLE FEATURES. Identifiers: Orphanet 261, MedGen C2751807, MONDO:0013071, OMIM 612998.
Autosomal recessive ataxia, Beauce type. Also called: SYNE1 Deficiency; ATAXIA, RECESSIVE, OF BEAUCE; Spinocerebellar ataxia, autosomal recessive 8; SYNE1-Related Autosomal Recessive Cerebellar Ataxia. Identifiers: Orphanet 88644, MedGen C1853116, MONDO:0012549, OMIM 610743.

Allele frequency attached by ClinVar (database versions not stated): 1000 Genomes Project 30x 0.00297; 1000 Genomes Project 0.00319; TOPMed 0.00599; gnomAD exomes 0.00607; ExAC 0.00632; gnomAD 0.00657 and 0.00676; ESP Exome Variant Server 0.00715.
gnomAD v4.1: 11,964 of 1,613,912 alleles (0.74%); highest among the groups gnomAD compares: Non-Finnish European, 0.84%; 60 homozygotes.

Submissions (13):

CeGaT Center for Human Genetics Tuebingen
Classification: Likely benign. Last evaluated: 2026-09-01. Review status: criteria provided, single submitter. Criteria: CeGaT Center For Human Genetics Tuebingen Variant Classification Criteria Version 2. Collection method: clinical testing. Allele origin: germline. Affected: yes. Observed: 47 variant alleles.
Comment: SYNE1: BP4, BS2

Labcorp Genetics (formerly Invitae), Labcorp
Classification: Benign for Emery-Dreifuss muscular dystrophy 4, autosomal dominant; Autosomal recessive ataxia, Beauce type. Last evaluated: 2026-01-27. Review status: criteria provided, single submitter. Criteria: Invitae Variant Classification Sherloc (09022015). Collection method: clinical testing. Allele origin: germline.

Athena Diagnostics
Classification: Benign. Last evaluated: 2025-08-22. Review status: criteria provided, single submitter. Criteria: Athena Diagnostics Criteria. Collection method: clinical testing. Allele origin: unknown.
Comment: The frequency of this variant in the general population is higher than would generally be expected for pathogenic variants in this gene. Computational tools predict this amino acid change may be benign. This variant has been seen where an alternate explanation for disease was also identified.

Mayo Clinic Laboratories, Mayo Clinic
Classification: Benign. Last evaluated: 2018-12-06. Review status: criteria provided, single submitter. Criteria: ACMG Guidelines, 2015. Collection method: clinical testing. Allele origin: germline. Observed: 20 variant alleles.

Illumina Laboratory Services, Illumina
Classification: Benign for Emery-Dreifuss muscular dystrophy 4, autosomal dominant. Last evaluated: 2018-01-13. Review status: criteria provided, single submitter. Criteria: ICSL Variant Classification Criteria 13 December 2019. Collection method: clinical testing. Allele origin: germline.
Comment: This variant was observed in the ICSL laboratory as part of a predisposition screen in an ostensibly healthy population. It had not been previously curated by ICSL or reported in the Human Gene Mutation Database (HGMD: prior to June 1st, 2018), and was therefore a candidate for classification through an automated scoring system. Utilizing variant allele frequency, disease prevalence and penetrance estimates, and inheritance mode, an automated score was calculated to assess if this variant is too frequent to cause the disease. Based on the score and internal cut-off values, a variant classified as benign is not then subjected to further curation. The score for this variant resulted in a classification of benign for this disease.

Illumina Laboratory Services, Illumina
Classification: Likely benign for Autosomal recessive ataxia, Beauce type. Last evaluated: 2018-01-13. Review status: criteria provided, single submitter. Criteria: ICSL Variant Classification Criteria 13 December 2019. Collection method: clinical testing. Allele origin: germline.
Comment: This variant was observed in the ICSL laboratory as part of a predisposition screen in an ostensibly healthy population. It had not been previously curated by ICSL or reported in the Human Gene Mutation Database (HGMD: prior to June 1st, 2018), and was therefore a candidate for classification through an automated scoring system. Utilizing variant allele frequency, disease prevalence and penetrance estimates, and inheritance mode, an automated score was calculated to assess if this variant is too frequent to cause the disease. Based on the score and internal cut-off values, a variant classified as likely benign is not then subjected to further curation. The score for this variant resulted in a classification of likely benign for this disease.

GeneDx
Classification: Benign. Last evaluated: 2017-01-30. Review status: criteria provided, single submitter. Criteria: GeneDx Variant Classification (06012015). Collection method: clinical testing. Allele origin: germline. Affected: yes.
Comment: This variant is considered likely benign or benign based on one or more of the following criteria: it is a conservative change, it occurs at a poorly conserved position in the protein, it is predicted to be benign by multiple in silico algorithms, and/or has population frequency not consistent with disease.

Center for Pediatric Genomic Medicine, Children's Mercy Hospital and Clinics
Classification: Likely benign. Last evaluated: 2016-11-15. Review status: criteria provided, single submitter. Criteria: ACMG Guidelines, 2015. Collection method: clinical testing. Allele origin: germline.
ClinVar note: Converted during submission from Likely Benign to Likely benign.

Eurofins Ntd Llc (ga)
Classification: Benign. Last evaluated: 2015-01-09. Review status: criteria provided, single submitter. Criteria: EGL Classification Definitions 2015. Collection method: clinical testing. Allele origin: germline. Observed: 5 variant alleles, 5 heterozygotes.

Breakthrough Genomics
Classification: Likely benign. Review status: criteria provided, single submitter. Criteria: ACMG Guidelines, 2015. Collection method: not provided. Allele origin: germline. Inheritance: Autosomal recessive inheritance. Affected: yes.

PreventionGenetics, part of Exact Sciences
Classification: Benign for SYNE1-related condition. Last evaluated: 2020-07-23. Review status: no assertion criteria provided. Collection method: clinical testing. Allele origin: germline. Not counted in ClinVar's aggregate classification.
Comment: This variant is classified as benign based on ACMG/AMP sequence variant interpretation guidelines (Richards et al. 2015 PMID: 25741868, with internal and published modifications).

Clinical Genetics DNA and cytogenetics Diagnostics Lab, Erasmus MC, Erasmus Medical Center
Classification: Likely benign. Review status: no assertion criteria provided. Collection method: clinical testing. Allele origin: germline. Affected: yes. Study: VKGL Data-share Consensus. Not counted in ClinVar's aggregate classification.

Genome Diagnostics Laboratory, University Medical Center Utrecht
Classification: Benign. Review status: no assertion criteria provided. Collection method: clinical testing. Allele origin: germline. Affected: yes. Study: VKGL Data-share Consensus. Not counted in ClinVar's aggregate classification.

NM_182961.4(SYNE1):c.8164G>A (p.Val2722Ile)

Gene: SYNE1 (spectrin repeat containing nuclear envelope protein 1; minus strand). Cytogenetic location: 6q25.2.
Variant type: single nucleotide variant.
Coding change: c.8164G>A on transcript NM_182961.4 (MANE Select); coding-DNA position 8164, G replaced by A.
Protein change: p.Val2722Ile; replaces valine 2722 with isoleucine.
Molecular consequence: missense variant.
Genome position (GRCh38, 1-based): chr6:152,390,293, C>T on the plus strand (G>A on the coding strand, the complement: SYNE1 is on the minus strand). VCF-style: chr6-152390293-C-T. GRCh37 (hg19) VCF-style: chr6-152711428-C-T.
Other names: p.Val2729Ile; c.8185G>A, p.Val2729Ile (NM_033071.5); short protein forms V2722I, V2729I.
Identifiers: ClinVar variation 197955 (VCV000197955.57), dbSNP rs151091241, ClinGen allele CA203165.